The following is an entry in ClinVar:

NM_017617.5(NOTCH1):c.59G>T (p.Arg20Leu)

Genes: NOTCH1 (notch receptor 1; minus strand), LOC130003020 (ATAC-STARR-seq lymphoblastoid silent region 20528; plus strand). Cytogenetic location: 9q34.3.
Variant type: single nucleotide variant.
Coding change: c.59G>T on transcript NM_017617.5 (MANE Select); coding-DNA position 59, G replaced by T.
Protein change: p.Arg20Leu; replaces arginine 20 with leucine.
Molecular consequence: missense variant.
Genome position (GRCh38, 1-based): chr9:136,545,728, C>A on the plus strand (G>T on the coding strand, the complement: NOTCH1 is on the minus strand). VCF-style: chr9-136545728-C-A. GRCh37 (hg19) VCF-style: chr9-139440180-C-A.
Other names: c.59G>T, p.Arg20Leu (LRG_1122t1); short protein forms R20L.
Identifiers: ClinVar variation 520031 (VCV000520031.12), dbSNP rs1554733799, ClinGen allele CA375579751.

ClinVar aggregate classification (germline): Uncertain significance. Review status: criteria provided, multiple submitters, no conflicts (2 of 4 stars). 4 submissions from 3 submitters: Uncertain significance (4). Last evaluated 2025-09-22.

Conditions:
Familial thoracic aortic aneurysm and aortic dissection (TAAD). Also called: Thoracic aortic aneurysms and dissections. Identifiers: Orphanet 91387, MedGen C4707243, MONDO:0019625.
Adams-Oliver syndrome 5 (AOS5). Identifiers: Orphanet 974, MedGen C4014970, MONDO:0014459, OMIM 616028.
Aortic valve disease 1 (AOVD1). Identifiers: MedGen C3887892, MONDO:0024523, OMIM 109730.

Submissions (4):

Labcorp Genetics (formerly Invitae), Labcorp
Classification: Uncertain significance for Adams-Oliver syndrome 5. Last evaluated: 2025-09-22. Review status: criteria provided, single submitter. Criteria: Invitae Variant Classification Sherloc (09022015). Collection method: clinical testing. Allele origin: germline.
Comment: This sequence change replaces arginine, which is basic and polar, with leucine, which is neutral and non-polar, at codon 20 of the NOTCH1 protein (p.Arg20Leu). This variant is not present in population databases (gnomAD no frequency). This variant has not been reported in the literature in individuals affected with NOTCH1-related conditions. ClinVar contains an entry for this variant (Variation ID: 520031). An algorithm developed to predict the effect of missense changes on protein structure and function (PolyPhen-2) suggests that this variant is likely to be tolerated. In summary, the available evidence is currently insufficient to determine the role of this variant in disease. Therefore, it has been classified as a Variant of Uncertain Significance.

Genome-Nilou Lab
Classification: Uncertain significance for Adams-Oliver syndrome 5. Last evaluated: 2022-03-15. Review status: criteria provided, single submitter. Criteria: ACMG Guidelines, 2015. Collection method: clinical testing. Allele origin: germline. Affected: no.

Genome-Nilou Lab
Classification: Uncertain significance for Aortic valve disease 1. Last evaluated: 2022-03-15. Review status: criteria provided, single submitter. Criteria: ACMG Guidelines, 2015. Collection method: clinical testing. Allele origin: germline. Affected: no.

Ambry Genetics
Classification: Uncertain significance for Familial thoracic aortic aneurysm and aortic dissection. Last evaluated: 2016-02-23. Review status: criteria provided, single submitter. Criteria: Ambry Variant Classification Scheme 2023. Collection method: clinical testing. Allele origin: germline.
Comment: The p.R20L variant (also known as c.59G>T), located in coding exon 1 of the NOTCH1 gene, results from a G to T substitution at nucleotide position 59. The arginine at codon 20 is replaced by leucine, an amino acid with dissimilar properties. This variant was not reported in population based cohorts in the following databases: Database of Single Nucleotide Polymorphisms (dbSNP), NHLBI Exome Sequencing Project (ESP), and 1000 Genomes Project. This position was not covered in the ESP. This amino acid position is not well conserved on limited sequence alignment. In addition, this alteration is predicted to be tolerated by in silico analysis. Since supporting evidence is limited at this time, the clinical significance of this variant remains unclear.